The following is an entry in ClinVar:

ClinVar aggregate classification (germline): Pathogenic (1 of 4 stars; one submission).

Conditions:
Combined immunodeficiency due to LRBA deficiency. Also called: Common variable immunodeficiency 8, with autoimmunity. Identifiers: Orphanet 445018, MedGen C3553512, MONDO:0013863, OMIM 614700.

Submission:

Labcorp Genetics (formerly Invitae), Labcorp
Classification: Pathogenic for Combined immunodeficiency due to LRBA deficiency. Last evaluated: 2023-12-25. Review status: criteria provided, single submitter. Criteria: Invitae Variant Classification Sherloc (09022015). Collection method: clinical testing. Allele origin: germline.
Comment: This sequence change creates a premature translational stop signal (p.Ser853Argfs*24) in the LRBA gene. It is expected to result in an absent or disrupted protein product. Loss-of-function variants in LRBA are known to be pathogenic (PMID: 26206937, 26768763). This variant is not present in population databases (gnomAD no frequency). This variant has not been reported in the literature in individuals affected with LRBA-related conditions. For these reasons, this variant has been classified as Pathogenic.

Literature cited by the submitters: PubMed 26206937; PubMed 26768763.

NM_001364905.1(LRBA):c.2559_2560del (p.Ser853fs)

Gene: LRBA (LPS responsive beige-like anchor protein; minus strand). Cytogenetic location: 4q31.3.
Variant type: Deletion.
Coding change: c.2559_2560del on transcript NM_001364905.1 (MANE Select); coding-DNA positions 2559 to 2560, 2 bases deleted (TA; older notation c.2559_2560delTA).
Protein change: p.Ser853fs; shifts the reading frame from serine 853.
Molecular consequence: frameshift variant.
Genome position (GRCh38, 1-based): chr4:150,868,195-150,868,196, TA deleted on the plus strand (TA on the coding strand, the reverse complement: LRBA is on the minus strand). VCF-style (leftmost placement, unchanged base first): chr4-150868194-CTA-C. GRCh37 (hg19) VCF-style: chr4-151789346-CTA-C.
Other names: c.2559_2560delTA, p.Ser853Argfs (NM_001199282.3, NM_006726.5); c.2559_2560del, p.Ser853fs (NM_001367550.1); short protein forms S853fs.
Identifiers: ClinVar variation 2705359 (VCV002705359.3), dbSNP rs2546547057, ClinGen allele CA2697546957.